The following is an entry in ClinVar:

NM_014908.4(DOLK):c.1138C>T (p.Arg380Cys)

Gene: DOLK (dolichol kinase; minus strand). Cytogenetic location: 9q34.11.
Variant type: single nucleotide variant.
Coding change: c.1138C>T on transcript NM_014908.4 (MANE Select); coding-DNA position 1138, C replaced by T.
Protein change: p.Arg380Cys; replaces arginine 380 with cysteine.
Molecular consequence: missense variant.
Genome position (GRCh38, 1-based): chr9:128,946,166, G>A on the plus strand (C>T on the coding strand, the complement: DOLK is on the minus strand). VCF-style: chr9-128946166-G-A. GRCh37 (hg19) VCF-style: chr9-131708445-G-A.
Other names: short protein forms R380C.
Identifiers: ClinVar variation 1055476 (VCV001055476.8), dbSNP rs775869216, ClinGen allele CA5271623.

ClinVar aggregate classification (germline): Uncertain significance. Review status: criteria provided, multiple submitters, no conflicts (2 of 4 stars). 2 submissions from 2 submitters: Uncertain significance (2). Last evaluated 2021-08-31.

Conditions:
Cardiovascular phenotype. Identifiers: MedGen CN230736.
DK1-congenital disorder of glycosylation. Also called: DOLK-congenital disorder of glycosylation; Carbohydrate deficient glycoprotein syndrome type 1m; CONGENITAL DISORDER OF GLYCOSYLATION, TYPE Im; CDG Im; DK1 DEFICIENCY; DOLICHOL KINASE DEFICIENCY. Identifiers: Orphanet 91131, MedGen C1835849, MONDO:0012556, OMIM 610768.

gnomAD v4.1: 16 of 1,614,198 alleles (0.00099%); highest among the groups gnomAD compares: South Asian, 0.0033%; no homozygotes.

Submissions (2):

Labcorp Genetics (formerly Invitae), Labcorp
Classification: Uncertain significance for DK1-congenital disorder of glycosylation. Last evaluated: 2021-08-31. Review status: criteria provided, single submitter. Criteria: Invitae Variant Classification Sherloc (09022015). Collection method: clinical testing. Allele origin: germline.
Comment: This sequence change replaces arginine with cysteine at codon 380 of the DOLK protein (p.Arg380Cys). The arginine residue is moderately conserved and there is a large physicochemical difference between arginine and cysteine. This variant is present in population databases (rs775869216, ExAC 0.006%). This variant has not been reported in the literature in individuals affected with DOLK-related conditions. Algorithms developed to predict the effect of missense changes on protein structure and function are either unavailable or do not agree on the potential impact of this missense change (SIFT: "Deleterious"; PolyPhen-2: "Benign"; Align-GVGD: "Class C15"). In summary, the available evidence is currently insufficient to determine the role of this variant in disease. Therefore, it has been classified as a Variant of Uncertain Significance.

Ambry Genetics
Classification: Uncertain significance for Cardiovascular phenotype. Last evaluated: 2021-08-02. Review status: criteria provided, single submitter. Criteria: Ambry Variant Classification Scheme 2023. Collection method: clinical testing. Allele origin: germline.
Comment: The p.R380C variant (also known as c.1138C>T), located in coding exon 1 of the DOLK gene, results from a C to T substitution at nucleotide position 1138. The arginine at codon 380 is replaced by cysteine, an amino acid with highly dissimilar properties. This amino acid position is conserved. In addition, the in silico prediction for this alteration is inconclusive. Since supporting evidence is limited at this time, the clinical significance of this alteration remains unclear.